The following is an entry in ClinVar:

ClinVar aggregate classification (germline): Uncertain significance. Review status: criteria provided, multiple submitters, no conflicts (2 of 4 stars). 2 submissions from 2 submitters: Uncertain significance (2). Last evaluated 2026-04-27.

Conditions:
Cardiovascular phenotype. Identifiers: MedGen CN230736.

Submissions (2):

Ambry Genetics
Classification: Uncertain significance for Cardiovascular phenotype. Last evaluated: 2026-04-27. Review status: criteria provided, single submitter. Criteria: Ambry Variant Classification Scheme 2023. Collection method: clinical testing. Allele origin: germline.
Comment: The p.N482K variant (also known as c.1446C>A), located in coding exon 13 of the MYH7 gene, results from a C to A substitution at nucleotide position 1446. The asparagine at codon 482 is replaced by lysine, an amino acid with similar properties. This amino acid position is conserved. In addition, the in silico prediction for this alteration is inconclusive. Based on the available evidence, the clinical significance of this variant remains unclear.

AiLife Diagnostics
Classification: Uncertain significance. Last evaluated: 2021-12-30. Review status: criteria provided, single submitter. Criteria: ACMG Guidelines, 2015. Collection method: clinical testing. Allele origin: germline. Affected: yes. Observed: 1 variant allele.

NM_000257.4(MYH7):c.1446C>A (p.Asn482Lys)

Gene: MYH7 (myosin heavy chain 7; minus strand). Cytogenetic location: 14q11.2.
Variant type: single nucleotide variant.
Coding change: c.1446C>A on transcript NM_000257.4 (MANE Select); coding-DNA position 1446, C replaced by A.
Protein change: p.Asn482Lys; replaces asparagine 482 with lysine.
Molecular consequence: missense variant.
Genome position (GRCh38, 1-based): chr14:23,428,632, G>T on the plus strand (C>A on the coding strand, the complement: MYH7 is on the minus strand). VCF-style: chr14-23428632-G-T. GRCh37 (hg19) VCF-style: chr14-23897841-G-T.
Other names: short protein forms N482K.
Identifiers: ClinVar variation 1677755 (VCV001677755.2), dbSNP rs775745470, ClinGen allele CA389050584.